The following is an entry in ClinVar:

NM_000548.5(TSC2):c.2070C>G (p.Phe690Leu)

Gene: TSC2 (TSC complex subunit 2; plus strand). Cytogenetic location: 16p13.3.
Variant type: single nucleotide variant.
Coding change: c.2070C>G on transcript NM_000548.5 (MANE Select); coding-DNA position 2070, C replaced by G.
Protein change: p.Phe690Leu; replaces phenylalanine 690 with leucine.
Molecular consequence: missense variant.
Genome position (GRCh38, 1-based): chr16:2,071,907, C>G. VCF-style: chr16-2071907-C-G. GRCh37 (hg19) VCF-style: chr16-2121908-C-G.
Other names: c.2070C>G, p.Phe690Leu (NM_001077183.3, NM_001114382.3, NM_001363528.2 and 3 more transcripts); c.1959C>G, p.Phe653Leu (NM_001318827.2); c.1923C>G, p.Phe641Leu (NM_001318829.2); c.1470C>G, p.Phe490Leu (NM_001318831.2); c.2103C>G, p.Phe701Leu (NM_001318832.2); short protein forms F641L, F653L, F490L, F690L, F701L.
Identifiers: ClinVar variation 944325 (VCV000944325.10), dbSNP rs558292668, ClinGen allele CA394274673.

ClinVar aggregate classification (germline): Uncertain significance. Review status: criteria provided, multiple submitters, no conflicts (2 of 4 stars). 2 submissions from 2 submitters: Uncertain significance (2). Last evaluated 2024-09-09.

Conditions:
Hereditary cancer-predisposing syndrome. Also called: Neoplastic Syndromes, Hereditary; Hereditary neoplastic syndrome; Hereditary Cancer Syndrome; Tumor predisposition. Identifiers: Orphanet 140162, MedGen C0027672, MeSH D009386, MONDO:0015356.
Tuberous sclerosis 2 (TSC2). Identifiers: Orphanet 805, MedGen C1860707, MONDO:0013199, OMIM 613254.

Submissions (2):

Ambry Genetics
Classification: Uncertain significance for Hereditary cancer-predisposing syndrome. Last evaluated: 2024-09-09. Review status: criteria provided, single submitter. Criteria: Ambry Variant Classification Scheme 2023. Collection method: clinical testing. Allele origin: germline.
Comment: The p.F690L variant (also known as c.2070C>G), located in coding exon 18 of the TSC2 gene, results from a C to G substitution at nucleotide position 2070. The phenylalanine at codon 690 is replaced by leucine, an amino acid with highly similar properties. This amino acid position is highly conserved in available vertebrate species. In addition, the in silico prediction for this alteration is inconclusive. Based on the available evidence, the clinical significance of this variant remains unclear.

Labcorp Genetics (formerly Invitae), Labcorp
Classification: Uncertain significance for Tuberous sclerosis 2. Last evaluated: 2023-02-04. Review status: criteria provided, single submitter. Criteria: Invitae Variant Classification Sherloc (09022015). Collection method: clinical testing. Allele origin: germline.
Comment: In summary, the available evidence is currently insufficient to determine the role of this variant in disease. Therefore, it has been classified as a Variant of Uncertain Significance. This sequence change replaces phenylalanine, which is neutral and non-polar, with leucine, which is neutral and non-polar, at codon 690 of the TSC2 protein (p.Phe690Leu). This variant is not present in population databases (gnomAD no frequency). This variant has not been reported in the literature in individuals affected with TSC2-related conditions. ClinVar contains an entry for this variant (Variation ID: 944325). Advanced modeling of protein sequence and biophysical properties (such as structural, functional, and spatial information, amino acid conservation, physicochemical variation, residue mobility, and thermodynamic stability) performed at Invitae indicates that this missense variant is not expected to disrupt TSC2 protein function.